The following is an entry in ClinVar:

ClinVar aggregate classification (germline): Conflicting classifications of pathogenicity. Review status: criteria provided, conflicting classifications (1 of 4 stars). 2 submissions from 2 submitters: Uncertain significance (1); Likely benign (1). Last evaluated 2023-03-23.

Conditions:
Hereditary cancer-predisposing syndrome. Also called: Hereditary Cancer Syndrome; Neoplastic Syndromes, Hereditary; Tumor predisposition; Hereditary neoplastic syndrome. Identifiers: Orphanet 140162, MedGen C0027672, MeSH D009386, MONDO:0015356.

Allele frequency attached by ClinVar (database versions not stated): gnomAD exomes below 0.00001.
gnomAD v4.1: 1 of 1,583,092 alleles (0.000063%); highest among the groups gnomAD compares: Non-Finnish European, 0.000086%; no homozygotes.

Submissions (2):

University of Washington Department of Laboratory Medicine, University of Washington
Classification: Likely benign for Hereditary cancer-predisposing syndrome. Last evaluated: 2023-03-23. Review status: criteria provided, single submitter. Criteria: Dines et al. (Genet Med. 2020). Collection method: curation. Allele origin: germline.
Comment: Missense variant in a coldspot region where missense variants are very unlikely to be pathogenic (PMID:31911673).

BRCA2 exon 11 coldspot. Reclassification based on statistical prior probability.

Ambry Genetics
Classification: Uncertain significance for Hereditary cancer-predisposing syndrome. Last evaluated: 2022-03-08. Review status: criteria provided, single submitter. Criteria: Ambry Variant Classification Scheme 2023. Collection method: clinical testing. Allele origin: germline.
Comment: The p.D1709E variant (also known as c.5127T>G), located in coding exon 10 of the BRCA2 gene, results from a T to G substitution at nucleotide position 5127. The aspartic acid at codon 1709 is replaced by glutamic acid, an amino acid with highly similar properties. This amino acid position is poorly conserved in available vertebrate species. In addition, this alteration is predicted to be tolerated by in silico analysis. Since supporting evidence is limited at this time, the clinical significance of this alteration remains unclear.

NM_000059.4(BRCA2):c.5127T>G (p.Asp1709Glu)

Gene: BRCA2 (BRCA2 DNA repair associated; plus strand). Cytogenetic location: 13q13.1.
Variant type: single nucleotide variant.
Coding change: c.5127T>G on transcript NM_000059.4 (MANE Select); coding-DNA position 5127, T replaced by G.
Protein change: p.Asp1709Glu; replaces aspartic acid 1709 with glutamic acid.
Molecular consequence: missense variant.
Genome position (GRCh38, 1-based): chr13:32,339,482, T>G. VCF-style: chr13-32339482-T-G. GRCh37 (hg19) VCF-style: chr13-32913619-T-G.
Other names: c.5127T>G, p.Asp1709Glu (NM_001406719.1, NM_001406720.1); short protein forms D1709E.
Identifiers: ClinVar variation 1745512 (VCV001745512.4), dbSNP rs2137514214, ClinGen allele CA387784168.